The following is an entry in ClinVar:

ClinVar aggregate classification (germline): Uncertain significance (1 of 4 stars; one submission).

gnomAD v4.1: 1 of 1,614,128 alleles (0.000062%); highest among the groups gnomAD compares: African/African-American, 0.0013%; no homozygotes.

Submission:

Labcorp Genetics (formerly Invitae), Labcorp
Classification: Uncertain significance. Last evaluated: 2024-10-21. Review status: criteria provided, single submitter. Criteria: Invitae Variant Classification Sherloc (09022015). Collection method: clinical testing. Allele origin: germline.
Comment: This sequence change replaces threonine, which is neutral and polar, with isoleucine, which is neutral and non-polar, at codon 289 of the SCN3A protein (p.Thr289Ile). This variant is present in population databases (rs542063434, gnomAD 0.007%). This variant has not been reported in the literature in individuals affected with SCN3A-related conditions. Invitae Evidence Modeling of protein sequence and biophysical properties (such as structural, functional, and spatial information, amino acid conservation, physicochemical variation, residue mobility, and thermodynamic stability) indicates that this missense variant is not expected to disrupt SCN3A protein function with a negative predictive value of 95%. In summary, the available evidence is currently insufficient to determine the role of this variant in disease. Therefore, it has been classified as a Variant of Uncertain Significance.

NM_006922.4(SCN3A):c.866C>T (p.Thr289Ile)

Gene: SCN3A (sodium voltage-gated channel alpha subunit 3; minus strand). Cytogenetic location: 2q24.3.
Variant type: single nucleotide variant.
Coding change: c.866C>T on transcript NM_006922.4 (MANE Select); coding-DNA position 866, C replaced by T.
Protein change: p.Thr289Ile; replaces threonine 289 with isoleucine.
Molecular consequence: missense variant.
Genome position (GRCh38, 1-based): chr2:165,162,657, G>A on the plus strand (C>T on the coding strand, the complement: SCN3A is on the minus strand). VCF-style: chr2-165162657-G-A. GRCh37 (hg19) VCF-style: chr2-166019167-G-A.
Other names: c.866C>T, p.Thr289Ile (NM_001081676.2, NM_001081677.2); short protein forms T289I.
Identifiers: ClinVar variation 3712846 (VCV003712846.2).